The following is an entry in ClinVar:

NM_152281.3(GORAB):c.87_207delinsGGAGGTCTCTGGAACCTCATTACTTCCAGAGCAGCTGCTTTCAGCACC (p.Pro30fs)

Gene: GORAB (golgin, RAB6 interacting; plus strand). Cytogenetic location: 1q24.2.
Variant type: Indel.
Coding change: c.87_207delinsGGAGGTCTCTGGAACCTCATTACTTCCAGAGCAGCTGCTTTCAGCACC on transcript NM_152281.3 (MANE Select); coding-DNA positions 87 to 207, the reference bases replaced by an inserted sequence.
Protein change: p.Pro30fs; shifts the reading frame from proline 30.
Molecular consequence: frameshift variant. On other transcripts: 5 prime UTR variant (1), non-coding transcript variant (1).
Genome position (GRCh38, 1-based): chr1:170,539,235-170,539,355, 121 bases replaced. GRCh37 (hg19): chr1:170,508,376-170,508,496.
Other names: c.87_207delinsGGAGGTCTCTGGAACCTCATTACTTCCAGAGCAGCTGCTTTCAGCACC, p.Pro30fs (NM_001146039.2); c.-379_-259delinsGGAGGTCTCTGGAACCTCATTACTTCCAGAGCAGCTGCTTTCAGCACC (NM_001320252.2); c.162_285delCCCCGCGAAGAAAAGTCGACAACAACTTCAGCGAGAAAAAGCCCTTGTAGAGCAAAGCCAAAAACTTGGGCTTCAAGATGGATCAACCTCATTACTTCCAGAGCAGCTGCTTTCAGCACCAAAAinsGGAGGTCTCTGGAACCTCATTACTTCCAGAGCAGCTGCTTTCAGCACCAAA (NM_152281.2); short protein forms P30fs.
Identifiers: ClinVar variation 1183320 (VCV001183320.4), dbSNP rs2101820716, ClinGen allele CA2499214316.

ClinVar aggregate classification (germline): Likely pathogenic (1 of 4 stars; one submission).

Submission:

GeneDx
Classification: Likely pathogenic. Last evaluated: 2022-09-27. Review status: criteria provided, single submitter. Criteria: GeneDx Variant Classification Process June 2021. Collection method: clinical testing. Allele origin: germline. Affected: yes.
Comment: Frameshift variant in the C-terminus predicted to result in protein truncation, as the last 340 amino acids are lost and replaced with 101 incorrect amino acids; Not observed at a significant frequency in large population cohorts (gnomAD); Has not been previously published as pathogenic or benign to our knowledge